The following is an entry in ClinVar:

NM_020184.4(CNNM4):c.385T>A (p.Ser129Thr)

Gene: CNNM4 (cyclin and CBS domain divalent metal cation transport mediator 4; plus strand). Cytogenetic location: 2q11.2.
Variant type: single nucleotide variant.
Coding change: c.385T>A on transcript NM_020184.4 (MANE Select); coding-DNA position 385, T replaced by A.
Protein change: p.Ser129Thr; replaces serine 129 with threonine.
Molecular consequence: missense variant.
Genome position (GRCh38, 1-based): chr2:96,761,384, T>A. VCF-style: chr2-96761384-T-A. GRCh37 (hg19) VCF-style: chr2-97427121-T-A.
Other names: short protein forms S129T.
Identifiers: ClinVar variation 2071564 (VCV002071564.4), dbSNP rs2469452052, ClinGen allele CA347713444.

ClinVar aggregate classification (germline): Uncertain significance (1 of 4 stars; one submission).

Submission:

Labcorp Genetics (formerly Invitae), Labcorp
Classification: Uncertain significance. Last evaluated: 2022-01-03. Review status: criteria provided, single submitter. Criteria: Invitae Variant Classification Sherloc (09022015). Collection method: clinical testing. Allele origin: germline.
Comment: In summary, the available evidence is currently insufficient to determine the role of this variant in disease. Therefore, it has been classified as a Variant of Uncertain Significance. Algorithms developed to predict the effect of missense changes on protein structure and function (SIFT, PolyPhen-2, Align-GVGD) all suggest that this variant is likely to be tolerated. This variant has not been reported in the literature in individuals affected with CNNM4-related conditions. This variant is not present in population databases (gnomAD no frequency). This sequence change replaces serine, which is neutral and polar, with threonine, which is neutral and polar, at codon 129 of the CNNM4 protein (p.Ser129Thr).